The following is an entry in ClinVar:

ClinVar aggregate classification (germline): Uncertain significance (1 of 4 stars; one submission).

Submission:

GeneDx
Classification: Uncertain significance. Last evaluated: 2022-02-15. Review status: criteria provided, single submitter. Criteria: GeneDx Variant Classification Process June 2021. Collection method: clinical testing. Allele origin: germline. Affected: yes.
Comment: Not observed in large population cohorts (gnomAD); In silico analysis supports that this missense variant has a deleterious effect on protein structure/function; Has not been previously published as pathogenic or benign to our knowledge

NM_024665.7(TBL1XR1):c.772C>G (p.Leu258Val)

Genes: TBL1XR1 (TBL1X/Y related 1; minus strand), TBL1XR1-AS1 (TBL1XR1 antisense RNA 1; plus strand). Cytogenetic location: 3q26.32.
Variant type: single nucleotide variant.
Coding change: c.772C>G on transcript NM_024665.7 (MANE Select); coding-DNA position 772, C replaced by G.
Protein change: p.Leu258Val; replaces leucine 258 with valine.
Molecular consequence: missense variant.
Genome position (GRCh38, 1-based): chr3:177,047,392, G>C on the plus strand (C>G on the coding strand, the complement: TBL1XR1 is on the minus strand). VCF-style: chr3-177047392-G-C. GRCh37 (hg19) VCF-style: chr3-176765180-G-C.
Other names: c.772C>G, p.Leu258Val (NM_001321193.3, NM_001321194.3, NM_001374327.1 and 2 more transcripts); c.511C>G, p.Leu171Val (NM_001321195.3, NM_001374330.1); short protein forms L171V, L258V.
Identifiers: ClinVar variation 1306433 (VCV001306433.3), dbSNP rs2108479659, ClinGen allele CA355552192.